The following is an entry in ClinVar:

NM_005228.5(EGFR):c.2369C>T (p.Thr790Met)

Genes: EGFR-AS1 (EGFR antisense RNA 1; minus strand), EGFR (epidermal growth factor receptor; plus strand). Cytogenetic location: 7p11.2.
Variant type: single nucleotide variant.
Coding change: c.2369C>T on transcript NM_005228.5 (MANE Select); coding-DNA position 2369, C replaced by T.
Protein change: p.Thr790Met; replaces threonine 790 with methionine.
Molecular consequence: missense variant. On other transcripts: non-coding transcript variant (1).
Genome position (GRCh38, 1-based): chr7:55,181,378, C>T. VCF-style: chr7-55181378-C-T. GRCh37 (hg19) VCF-style: chr7-55249071-C-T.
Other names: c.2234C>T, p.Thr745Met (NM_001346897.2, NM_001346899.2); c.2369C>T, p.Thr790Met (NM_001346898.2); c.2210C>T, p.Thr737Met (NM_001346900.2); c.1568C>T, p.Thr523Met (NM_001346941.2); c.[2369C>T] (NM_005228.4); short protein forms T790M, T745M, T523M, T737M.
Identifiers: ClinVar variation 16613 (VCV000016613.47), dbSNP rs121434569, ClinGen allele CA090928.

ClinVar aggregate classification (germline): drug response. Review status: reviewed by expert panel (3 of 4 stars). 14 submissions from 12 submitters: drug response (2). 12 of the submissions do not count toward it. Last evaluated 2021-03-24.
ClinVar aggregate classification (somatic clinical impact): Tier I - Strong (1 of 4 stars; one submission).
ClinVar aggregate classification (oncogenicity): Oncogenic (1 of 4 stars; one submission).

Conditions:
EGFR-related disorder. Also called: EGFR-related condition.
Lung cancer. Also called: Malignant tumor of lung; Lung cancer, somatic. Identifiers: MedGen C0242379, MONDO:0008903, OMIM 211980.
Inflammatory skin and bowel disease, neonatal, 2 (NNCIS). Identifiers: Orphanet 294023, MedGen C4015130, MONDO:0014481, OMIM 616069.
Hereditary cancer-predisposing syndrome. Also called: Hereditary neoplastic syndrome; Tumor predisposition; Hereditary Cancer Syndrome; Neoplastic Syndromes, Hereditary. Identifiers: Orphanet 140162, MedGen C0027672, MeSH D009386, MONDO:0015356.
EGFR-related lung cancer (EGFR). Identifiers: MedGen CN130014.
Non-small cell lung carcinoma (NSCLC). Also called: Non-small cell lung cancer. Identifiers: MedGen C0007131, MeSH D002289, MONDO:0005233, HP:0030358. Disease mechanism: Other.
Lung adenocarcinoma. Also called: Adenocarcinoma of lung, somatic; Adenocarcinoma of lung. Identifiers: MedGen C0152013, MeSH D000077192, MONDO:0005061, HP:0030078.
Tyrosine kinase inhibitor response. Also called: Protein-tyrosine kinase inhibitor response. Identifiers: MedGen CN225347.
gefitinib response - Efficacy. Identifiers: MedGen CN322733.
erlotinib response - Efficacy. Identifiers: MedGen CN322731.
Neoplasm. Also called: Neoplasms; Neoplasm (disease); tumor. Identifiers: MedGen C0027651, MeSH D009369, MONDO:0005070, HP:0002664.

Allele frequency attached by ClinVar (database versions not stated): gnomAD exomes 0.00003; TOPMed 0.00003; ExAC 0.00004; gnomAD 0.00005 and 0.00006.
gnomAD v4.1: 16 of 1,614,100 alleles (0.00099%); highest among the groups gnomAD compares: African/African-American, 0.0053%; no homozygotes.

Submissions 1 to 6 of 16:

ClinPGx
Classification: drug response for erlotinib response - Efficacy. Last evaluated: 2021-03-24. Review status: reviewed by expert panel. Criteria: Pharmacogenomics knowledge for personalized medicine. Collection method: curation. Allele origin: germline. Affected: yes.
Comment: PharmGKB Level of Evidence 2B: Variants in Level 2B clinical annotations are not in PharmGKB’s Tier 1 VIPs. These clinical annotations describe variant-drug combinations with a moderate level of evidence supporting the association. For example, the association may be found in multiple cohorts, but there may be a minority of studies that do not support the majority assertion. Level 2B clinical annotations must be supported by at least two independent publications.

Drug is not necessarily used to treat response condition

ClinPGx
Classification: drug response for gefitinib response - Efficacy. Last evaluated: 2021-03-24. Review status: reviewed by expert panel. Criteria: Pharmacogenomics knowledge for personalized medicine. Collection method: curation. Allele origin: germline. Affected: yes.
Comment: the same text as in the submission from ClinPGx above.

CIViC Knowledgebase, Washington University School of Medicine
Classification: Tier I - Strong for Lung Non-small Cell Carcinoma. Assertion type: therapeutic. Clinical significance: sensitivity/response. Last evaluated: 2026-04-24. Review status: criteria provided, single submitter. Criteria: AMP/ASCO/CAP Guidelines, 2017. Collection method: curation. Allele origin: somatic.
Comment: The EGFR T790M mutation occurs in approximately 50-60% of EGFR mutated non small cell lung cancer (NSCLC) patients treated with first or second-generation EGFR tyrosine kinase inhibitors (TKIs). The third-generation EGFR TKI osimertinib has been shown to inhibit proliferation signaling and growth in cell line and xenograft models (civic.EID:963) and human cell lines (civic.EID:967) with EGFR T790M. Case study reports indicate benefit from osimertinib for NSCLC patients with primary sensitizing EGFR mutations who progressed on first line TKI treatment with the emergence of T790M (civic.EID:12946). Osimertinib was given accelerated approval for treatment of T790M positive NSCLC patients who had progressed on previous TKI therapy based on results from a Phase I study showing a 59% objective response rate to osimertinib in these patients (civic.EID:965), and then granted regular approval after the confirmatory phase 3 trial (AURA3) further indicated benefit with a 71 percent overall response rate in T790M patients who had progressed on TKI therapy versus 31 percent response rate with chemotherapy (civic.EID:1867).

PreventionGenetics, part of Exact Sciences
Classification: Likely pathogenic for EGFR-related condition. Last evaluated: 2026-02-07. Review status: criteria provided, single submitter. Criteria: ACMG Guidelines, 2015. Collection method: clinical testing. Allele origin: germline. Not counted in ClinVar's aggregate classification.
Comment: The EGFR c.2369C>T variant is predicted to result in the amino acid substitution p.Thr790Met. This variant has been identified in multiple individuals with personal and/or family history of lung cancer, many of whom were never smokers and it is estimated that individuals who carry this variant have a 15-31% overall risk for developing lung cancer (Bell et al. 2005. PubMed ID: 16258541; Gazdar et al 2014. PubMed ID: 24736066; Tibaldi et al. 2011. PubMed ID: 21252721). In addition, this variant has been consistently demonstrated to affect tyrosine kinase inhibition in individuals with non-small cell lung cancer and has been shown to increase the binding affinity of EGFR for ATP (Figure 1, Bell et al. 2005. PubMed ID: 16258541; Table 4, Chen et al. 2009. PubMed ID: 19381876; Table 1, Sequist et al. 2011. PubMed ID: 21430269; Yun et al. 2008. PubMed ID: 18227510). This variant is reported in 0.016% of alleles in individuals of African descent in gnomAD. This variant has been classified as a drug response variant by an expert panel and is consistently classified as pathogenic and likely pathogenic for increased risk of lung cancer in ClinVar (Variation ID: 16613). This variant is interpreted as likely pathogenic.

Labcorp Genetics (formerly Invitae), Labcorp
Classification: Pathogenic for EGFR-related lung cancer. Last evaluated: 2026-01-26. Review status: criteria provided, single submitter. Criteria: Invitae Variant Classification Sherloc (09022015). Collection method: clinical testing. Allele origin: germline. Not counted in ClinVar's aggregate classification.
Comment: This sequence change replaces threonine, which is neutral and polar, with methionine, which is neutral and non-polar, at codon 790 of the EGFR protein (p.Thr790Met). This variant is present in population databases (rs121434569, gnomAD 0.02%). This missense change has been observed in individual(s) with lung cancer (PMID: 16258541, 21252721, 23540867, 24736066, 24736080, 26700910, 37579253). It has also been observed to segregate with disease in related individuals. ClinVar contains an entry for this variant (Variation ID: 16613). Invitae Evidence Modeling of protein sequence and biophysical properties (such as structural, functional, and spatial information, amino acid conservation, physicochemical variation, residue mobility, and thermodynamic stability) indicates that this missense variant is expected to disrupt EGFR protein function with a positive predictive value of 80%. Experimental studies have shown that this missense change affects EGFR function (PMID: 15728811, 15737014, 17510392, 17726540, 18227510). For these reasons, this variant has been classified as Pathogenic.

Ambry Genetics
Classification: Likely pathogenic for Hereditary cancer-predisposing syndrome. Last evaluated: 2025-08-22. Review status: criteria provided, single submitter. Criteria: Ambry Variant Classification Scheme 2023. Collection method: clinical testing. Allele origin: germline. Not counted in ClinVar's aggregate classification.
Comment: The p.T790M variant (also known as c.2369C>T), located in coding exon 20 of the EGFR gene, results from a C to T substitution at nucleotide position 2369. The threonine at codon 790 is replaced by methionine, an amino acid with similar properties. This alteration is a well known somatic alteration that is acquired and confers resistance to tyrosine kinase inhibitors which are agents used to treat lung cancer (Pao W et al. PLoS Med., 2005 Mar;2:e73). However, it has also been identified in the germline of many individuals with a personal and/or family history of lung cancer and segregates with lung cancer in some of these families, including in people who are considered never-smokers (Bell DW et al. Nat. Genet. 2005 Dec;37:1315-6; Prudkin L et al. J Thorac Oncol, 2009 Jan;4:139-41; Girard N et al. Clin. Cancer Res., 2010 Jan;16:755-63; Tibaldi C et al. J Thorac Oncol. 2011 Feb;6:395-6; Oxnard GR et al. J Thorac Oncol, 2012 Jun;7:1049-52; Thomas A et al. Clin Lung Cancer, 2013 Jul;14:452-6; Gazdar A et al. J Thorac Oncol. 2014 Apr;9:456-63; Yu HA et al. J Thorac Oncol. 2014 Apr;9:554-8; Lou Y et al. Clin Lung Cancer, 2016 Mar;17:e5-11; Hu Y et al. Clin. Cancer Res., 2017 Dec;23:7351-7359; Huang KL et al. Cell 2018 04;173(2):355-370.e14; Lu S et al. J Thorac Oncol. 2019 04;14:732-736; Reckamp KL et al. Cancer, 2021 Aug;127:2801-2806). Functional studies have shown that this alteration precludes binding of some TKIs, but that it also increases the binding affinity of EGFR for ATP which would lead to increased activation of the protein and increased cell growth (Pao W et al. PLoS Med., 2005 Mar;2:e73; Kobayashi S et al. N. Engl. J. Med., 2005 Feb;352:786-92; Regales L et al. PLoS ONE, 2007 Aug;2:e810; Yun CH et al. Proc. Natl. Acad. Sci. U.S.A., 2008 Feb;105:2070-5; Vikis H et al. Cancer Res., 2007 May;67:4665-70). Mice expressing an inducible transgene carrying this alteration develop lung adenocarcinomas, and this alteration is required for them to maintain their tumors (Regales L et al. PLoS ONE, 2007 Aug;2:e810). This alteration has a preliminary risk estimate of 31% in never smokers (Gazdar A et al. J Thorac Oncol, 2014 Apr;9:456-63). This amino acid position is highly conserved in available vertebrate species. This alteration is predicted to be deleterious by BayesDel in silico analysis. Based on the supporting evidence, this alteration is likely pathogenic for EGFR-related lung cancer; however, the association of this alteration with EGFR-related neonatal inflammatory skin and bowel disease is unknown.